The following is an entry in ClinVar:

NM_025081.3(NYNRIN):c.3996A>G (p.Leu1332=)

Gene: NYNRIN (NYN domain and retroviral integrase containing; plus strand). Cytogenetic location: 14q12.
Variant type: single nucleotide variant.
Coding change: c.3996A>G on transcript NM_025081.3 (MANE Select); coding-DNA position 3996, A replaced by G.
Protein change: p.Leu1332=; no amino-acid change (leucine 1332 retained).
Molecular consequence: synonymous variant.
Genome position (GRCh38, 1-based): chr14:24,415,745, A>G. VCF-style: chr14-24415745-A-G. GRCh37 (hg19) VCF-style: chr14-24884951-A-G.
Identifiers: ClinVar variation 3670778 (VCV003670778.2).

ClinVar aggregate classification (germline): Uncertain significance (1 of 4 stars; one submission).

Submission:

Labcorp Genetics (formerly Invitae), Labcorp
Classification: Uncertain significance. Last evaluated: 2024-09-22. Review status: criteria provided, single submitter. Criteria: Invitae Variant Classification Sherloc (09022015). Collection method: clinical testing. Allele origin: germline.
Comment: This sequence change affects codon 1332 of the NYNRIN mRNA. It is a 'silent' change, meaning that it does not change the encoded amino acid sequence of the NYNRIN protein. This variant is present in population databases (rs767235084, gnomAD 0.03%). This variant has not been reported in the literature in individuals affected with NYNRIN-related conditions. Experimental studies and prediction algorithms are not available or were not evaluated, and the effect of this variant on mRNA splicing is currently unknown. In summary, the available evidence is currently insufficient to determine the role of this variant in disease. Therefore, it has been classified as a Variant of Uncertain Significance.